The following is an entry in ClinVar:

NM_001130987.2(DYSF):c.700del (p.Arg234fs)

Gene: DYSF (dysferlin; plus strand). Cytogenetic location: 2p13.2.
Variant type: Deletion.
Coding change: c.700del on transcript NM_001130987.2 (MANE Select); coding-DNA position 700, one base deleted (A; older notation c.700delA).
Protein change: p.Arg234fs; shifts the reading frame from arginine 234.
Molecular consequence: frameshift variant.
Genome position (GRCh38, 1-based): chr2:71,513,862, A deleted; the last of 4 consecutive A bases (chr2:71,513,859-71,513,862); deleting any one gives the same sequence. VCF-style (leftmost placement, unchanged base first): chr2-71513858-CA-C. GRCh37 (hg19) VCF-style: chr2-71740988-CA-C.
Other names: c.607del, p.Arg203fs (NM_001130455.2, NM_001130983.2, NM_001130984.2 and 1 more transcripts); c.604del, p.Arg202fs (NM_001130976.2, NM_001130977.2, NM_001130978.2 and 1 more transcripts); c.697del, p.Arg233fs (NM_001130979.2, NM_001130980.2, NM_001130981.2); c.700del, p.Arg234fs (NM_001130982.2, NM_001130985.2); short protein forms R203fs, R202fs, R233fs, R234fs.
Identifiers: ClinVar variation 2743979 (VCV002743979.3), dbSNP rs2545396718, ClinGen allele CA2697548210.
Genomic context (GRCh38, chr2:71,513,858, plus strand): 5'-GGGGGCTCCCACCACCCCAAGGAAACTACCTTCACGTCCTCCGCCCCACTACCCCGGGAT[CA>C]AAAGAAAGCGAAGTGCGCCTACATCTAGAAAGCTGCTGTCAGACAAACCGCAGGATTTCC-3'

ClinVar aggregate classification (germline): Pathogenic (1 of 4 stars; one submission).

Conditions:
Neuromuscular disease caused by qualitative or quantitative defects of dysferlin. Also called: Dysferlinopathy; Qualitative or quantitative defects of dysferlin. Identifiers: Orphanet 207073, MedGen C2931687, MONDO:0016145.

Submission:

Labcorp Genetics (formerly Invitae), Labcorp
Classification: Pathogenic for Neuromuscular disease caused by qualitative or quantitative defects of dysferlin. Last evaluated: 2023-07-16. Review status: criteria provided, single submitter. Criteria: Invitae Variant Classification Sherloc (09022015). Collection method: clinical testing. Allele origin: germline.
Comment: This sequence change creates a premature translational stop signal (p.Arg202Glufs*25) in the DYSF gene. It is expected to result in an absent or disrupted protein product. Loss-of-function variants in DYSF are known to be pathogenic (PMID: 17698709, 20301480). For these reasons, this variant has been classified as Pathogenic. This variant has not been reported in the literature in individuals affected with DYSF-related conditions. This variant is not present in population databases (gnomAD no frequency).

Literature cited by the submitters: PubMed 17698709; PubMed 20301480.